The following is an entry in ClinVar:

NM_000384.3(APOB):c.3607A>G (p.Ser1203Gly)

Gene: APOB (apolipoprotein B; minus strand). Cytogenetic location: 2p24.1.
Variant type: single nucleotide variant.
Coding change: c.3607A>G on transcript NM_000384.3 (MANE Select); coding-DNA position 3607, A replaced by G.
Protein change: p.Ser1203Gly; replaces serine 1203 with glycine.
Molecular consequence: missense variant.
Genome position (GRCh38, 1-based): chr2:21,015,162, T>C on the plus strand (A>G on the coding strand, the complement: APOB is on the minus strand). VCF-style: chr2-21015162-T-C. GRCh37 (hg19) VCF-style: chr2-21238034-T-C.
Other names: short protein forms S1203G.
Identifiers: ClinVar variation 627780 (VCV000627780.27), dbSNP rs78875649, ClinGen allele CA059226.

ClinVar aggregate classification (germline): Conflicting classifications of pathogenicity. Review status: criteria provided, conflicting classifications (1 of 4 stars). 3 submissions from 3 submitters: Uncertain significance (1); Likely benign (2). Last evaluated 2026-02-02.

Conditions:
Cardiovascular phenotype. Identifiers: MedGen CN230736.
Hypercholesterolemia, autosomal dominant, type B (FHCL2). Also called: APOB-Related Familial Hypercholesterolemia, Autosomal Dominant; Hyperlipoproteinemia Type IIb; Familial Hypercholesterolemia Type B; APOLIPOPROTEIN B-100, FAMILIAL DEFECTIVE; APOLIPOPROTEIN B-100, FAMILIAL LIGAND-DEFECTIVE; Familial hypercholesterolemia 2. Identifiers: MedGen C1704417, MONDO:0007751, OMIM 144010.
Familial hypobetalipoproteinemia 1. Also called: APOB-Related Familial Hypobetalipoproteinemia; Hypobetalipoproteinemia, normotriglyceridemic; Acanthocytosis with hypobetalipoproteinemia. Identifiers: MedGen C4551990, MONDO:0014252, OMIM 615558.

Allele frequency attached by ClinVar (database versions not stated): gnomAD 0.00007 and 0.00004; TOPMed 0.00008; ExAC 0.00011; gnomAD exomes 0.00012 and 0.00006; 1000 Genomes Project 30x 0.00047; 1000 Genomes Project 0.00060.
gnomAD v4.1: 101 of 1,614,194 alleles (0.0063%); highest among the groups gnomAD compares: East Asian, 0.2%; no homozygotes.

Submissions (3):

Labcorp Genetics (formerly Invitae), Labcorp
Classification: Likely benign for Familial hypobetalipoproteinemia 1; Hypercholesterolemia, autosomal dominant, type B. Last evaluated: 2026-02-02. Review status: criteria provided, single submitter. Criteria: Invitae Variant Classification Sherloc (09022015). Collection method: clinical testing. Allele origin: germline.

GeneDx
Classification: Uncertain significance. Last evaluated: 2024-03-15. Review status: criteria provided, single submitter. Criteria: GeneDx Variant Classification Process June 2021. Collection method: clinical testing. Allele origin: germline. Affected: yes.
Comment: Identified in association with FH in published literature (PMID: 27932355); In silico analysis supports that this missense variant does not alter protein structure/function; Also known as p.(S1176G); This variant is associated with the following publications: (PMID: 27932355, 36190978, ZhanHS2023[preprint])

Ambry Genetics
Classification: Likely benign for Cardiovascular phenotype. Last evaluated: 2023-11-03. Review status: criteria provided, single submitter. Criteria: Ambry Variant Classification Scheme 2023. Collection method: clinical testing. Allele origin: germline.